The following is an entry in ClinVar:

ClinVar aggregate classification (germline): Likely pathogenic (1 of 4 stars; one submission).

Conditions:
Hypohidrotic X-linked ectodermal dysplasia (XHED). Also called: ECTODERMAL DYSPLASIA, HYPOHIDROTIC, 1; CST SYNDROME; Anhidrotic ectodermal dysplasia X-linked; Christ Siemens Touraine syndrome; ECTODERMAL DYSPLASIA 1, HYPOHIDROTIC, X-LINKED; ECTODERMAL DYSPLASIA 1, HYPOHIDROTIC/HAIR/TOOTH TYPE, X-LINKED. Identifiers: Orphanet 181, Orphanet 238468, MedGen C0162359, MONDO:0010585, OMIM 305100.

Submission:

Laboratory for Molecular Medicine, Mass General Brigham Personalized Medicine
Classification: Likely pathogenic for Hypohidrotic X-linked ectodermal dysplasia. Last evaluated: 2015-01-21. Review status: criteria provided, single submitter. Criteria: LMM Criteria. Collection method: clinical testing. Allele origin: germline. Inheritance: X-linked inheritance. Observed: 1 variant allele.
Comment: The p.Tyr304Ser variant in EDA has not been previously reported in families with clinical features of XLHED or in large population studies. However, two differe nt amino acid changes at the same position (Tyr304Cys, Tyr304Asn) have been iden tified in 3 individuals with X-linked hypohidrotic ectodermal dysplasia (RamaDev i 2008, Schneider 2011, Dietz 2013), suggesting that variants at this position a re not tolerated. Computational prediction tools and conservation analysis sugge st that the p.Tyr304Ser variant may impact the protein, though this information is not predictive enough to determine pathogenicity. In summary, although additi onal studies are required to fully establish its clinical significance, given th e presence of this variant in this individual's affected brother and the intoler ance of the p.Tyr304 residue to variation, the p.Tyr304Ser variant is likely pat hogenic.

Literature cited by the submitters: PubMed 17970812; PubMed 21357618; PubMed 23553579.

NM_001399.5(EDA):c.911A>C (p.Tyr304Ser)

Gene: EDA (ectodysplasin A; plus strand). Cytogenetic location: Xq13.1.
Variant type: single nucleotide variant.
Coding change: c.911A>C on transcript NM_001399.5 (MANE Select); coding-DNA position 911, A replaced by C.
Protein change: p.Tyr304Ser; replaces tyrosine 304 with serine.
Molecular consequence: missense variant.
Genome position (GRCh38, 1-based): chrX:70,033,515, A>C. VCF-style: chrX-70033515-A-C. GRCh37 (hg19) VCF-style: chrX-69253365-A-C.
Other names: c.911A>C, p.Tyr304Ser (NM_001005609.2); c.902A>C, p.Tyr301Ser (NM_001005612.3); short protein forms Y304S, Y301S.
Identifiers: ClinVar variation 228258 (VCV000228258.4), dbSNP rs876657642, ClinGen allele CA10577178.